The following is an entry in ClinVar:

ClinVar aggregate classification (germline): Uncertain significance (1 of 4 stars; one submission).

Conditions:
Primary dilated cardiomyopathy (DCM). Also called: Dilated Cardiomyopathy. Identifiers: Orphanet 217604, MedGen C0007193, MeSH D002311, MONDO:0005021, HP:0001644. Inheritance: Various modes of inheritance.

Allele frequency attached by ClinVar (database versions not stated): gnomAD exomes below 0.00001.
gnomAD v4.1: 1 of 1,613,298 alleles (0.000062%); highest among the groups gnomAD compares: African/African-American, 0.0013%; no homozygotes.

Submission:

Labcorp Genetics (formerly Invitae), Labcorp
Classification: Uncertain significance for Primary dilated cardiomyopathy. Last evaluated: 2025-12-01. Review status: criteria provided, single submitter. Criteria: Invitae Variant Classification Sherloc (09022015). Collection method: clinical testing. Allele origin: germline.
Comment: This sequence change replaces methionine, which is neutral and non-polar, with valine, which is neutral and non-polar, at codon 373 of the TXNRD2 protein (p.Met373Val). This variant is not present in population databases (gnomAD no frequency). This variant has not been reported in the literature in individuals affected with TXNRD2-related conditions. ClinVar contains an entry for this variant (Variation ID: 1502390). Invitae Evidence Modeling of protein sequence and biophysical properties (such as structural, functional, and spatial information, amino acid conservation, physicochemical variation, residue mobility, and thermodynamic stability) indicates that this missense variant is not expected to disrupt TXNRD2 protein function with a negative predictive value of 80%. In summary, the available evidence is currently insufficient to determine the role of this variant in disease. Therefore, it has been classified as a Variant of Uncertain Significance.

NM_006440.5(TXNRD2):c.1117A>G (p.Met373Val)

Gene: TXNRD2 (thioredoxin reductase 2; minus strand). Cytogenetic location: 22q11.21.
Variant type: single nucleotide variant.
Coding change: c.1117A>G on transcript NM_006440.5 (MANE Select); coding-DNA position 1117, A replaced by G.
Protein change: p.Met373Val; replaces methionine 373 with valine.
Molecular consequence: missense variant. On other transcripts: non-coding transcript variant (1).
Genome position (GRCh38, 1-based): chr22:19,880,687, T>C on the plus strand (A>G on the coding strand, the complement: TXNRD2 is on the minus strand). VCF-style: chr22-19880687-T-C. GRCh37 (hg19) VCF-style: chr22-19868210-T-C.
Other names: c.1114A>G, p.Met372Val (NM_001352300.2); c.1027A>G, p.Met343Val (NM_001352301.2); c.829A>G, p.Met277Val (NM_001352302.2); short protein forms M372V, M277V, M343V, M373V.
Identifiers: ClinVar variation 1502390 (VCV001502390.6), dbSNP rs2145933186, ClinGen allele CA410682006.